The following is an entry in ClinVar:

NM_170707.4(LMNA):c.808A>C (p.Lys270Gln)

Gene: LMNA (lamin A/C; plus strand). Cytogenetic location: 1q22.
Variant type: single nucleotide variant.
Coding change: c.808A>C on transcript NM_170707.4 (MANE Select); coding-DNA position 808, A replaced by C.
Protein change: p.Lys270Gln; replaces lysine 270 with glutamine.
Molecular consequence: missense variant.
Genome position (GRCh38, 1-based): chr1:156,134,973, A>C. VCF-style: chr1-156134973-A-C. GRCh37 (hg19) VCF-style: chr1-156104764-A-C.
Other names: c.472A>C, p.Lys158Gln (NM_001257374.3); c.565A>C, p.Lys189Gln (NM_001282624.2); c.808A>C, p.Lys270Gln (NM_001282625.2, NM_001282626.2, NM_005572.4 and 1 more transcripts); short protein forms K270Q, K158Q, K189Q.
Identifiers: ClinVar variation 245729 (VCV000245729.12), dbSNP rs879253920, ClinGen allele CA10584122.
Genomic context (GRCh38, chr1:156,134,973, plus strand): 5'-GCCCAGCATGAGGACCAGGTGGAGCAGTATAAGAAGGAGCTGGAGAAGACTTATTCTGCC[A>C]AGGTGCTTGCTCTCGATTGGTTCCCTCACTGCCTCTGCCCTTGGCAGCCCTACCCTTACC-3'
Protein context (NP_733821.1, residues 260-280): KKELEKTYSA[Lys270Gln]LDNARQSAER

ClinVar aggregate classification (germline): Conflicting classifications of pathogenicity. Review status: criteria provided, conflicting classifications (1 of 4 stars). 6 submissions from 6 submitters: Likely pathogenic (1); Uncertain significance (5). Last evaluated 2025-09-18.

Conditions:
Charcot-Marie-Tooth disease type 2B1 (CMT2B1). Also called: Charcot-marie-tooth disease, axonal, type 2b1; Charcot-Marie-Tooth Neuropathy Type 2B1; CHARCOT-MARIE-TOOTH DISEASE, NEURONAL, TYPE 2B1. Identifiers: Orphanet 98856, MedGen C1854154, MONDO:0011569, OMIM 605588.
Mandibuloacral dysplasia with type A lipodystrophy (MADA). Also called: LIPODYSTROPHY, TYPE A, ASSOCIATED WITH MANDIBULOACRAL DYSPLASIA; CRANIOMANDIBULAR DERMATODYSOSTOSIS. Identifiers: Orphanet 2457, Orphanet 90153, MedGen C5399785, MONDO:0009557, OMIM 248370.
Emery-Dreifuss muscular dystrophy 3, autosomal recessive (EDMD3). Identifiers: Orphanet 261, Orphanet 98855, MedGen C2750035, MONDO:0014676, OMIM 616516.
Charcot-Marie-Tooth disease type 2. Also called: Charcot-Marie-Tooth type 2. Identifiers: Orphanet 64746, MedGen C0270914, MONDO:0018993.
Cardiomyopathy (CMYO). Also called: Cardiomyopathies. Identifiers: Orphanet 167848, MedGen C0878544, MONDO:0004994, HP:0001638. Inheritance: Various modes of inheritance.

Allele frequency attached by ClinVar (database versions not stated): gnomAD exomes below 0.00001.
gnomAD v4.1: 2 of 1,614,164 alleles (0.00012%); highest among the groups gnomAD compares: Middle Eastern, 0.033%; no homozygotes.

Submissions (6):

First Genomix Gene Laboratory, Genetic Diagnostics Department
Classification: Likely pathogenic for Charcot-Marie-Tooth disease type 2B1; Emery-Dreifuss muscular dystrophy 3, autosomal recessive; Mandibuloacral dysplasia with type A lipodystrophy. Last evaluated: 2025-09-18. Review status: criteria provided, single submitter. Criteria: ACMG Guidelines, 2015. Collection method: clinical testing. Allele origin: germline. Inheritance: Autosomal recessive inheritance. Affected: no. Observed: 1 variant allele.

Labcorp Genetics (formerly Invitae), Labcorp
Classification: Uncertain significance for Charcot-Marie-Tooth disease type 2. Last evaluated: 2025-07-06. Review status: criteria provided, single submitter. Criteria: Invitae Variant Classification Sherloc (09022015). Collection method: clinical testing. Allele origin: germline.
Comment: This sequence change replaces lysine, which is basic and polar, with glutamine, which is neutral and polar, at codon 270 of the LMNA protein (p.Lys270Gln). This variant is not present in population databases (gnomAD no frequency). This variant has not been reported in the literature in individuals affected with LMNA-related conditions. ClinVar contains an entry for this variant (Variation ID: 245729). An algorithm developed to predict the effect of missense changes on protein structure and function (PolyPhen-2) suggests that this variant is likely to be disruptive. In summary, the available evidence is currently insufficient to determine the role of this variant in disease. Therefore, it has been classified as a Variant of Uncertain Significance.

Women's Health and Genetics/Laboratory Corporation of America, LabCorp
Classification: Uncertain significance. Last evaluated: 2025-03-17. Review status: criteria provided, single submitter. Criteria: LabCorp Variant Classification Summary - May 2015. Collection method: clinical testing. Allele origin: germline.
Comment: Variant summary: LMNA c.808A>C (p.Lys270Gln) results in a conservative amino acid change in the encoded protein sequence. Four of five in-silico tools predict a damaging effect of the variant on protein function. Several computational tools predict a significant impact on normal splicing: Three predict the variant no significant impact on splicing. One predict the variant strengthens a cryptic 3' acceptor site. Two predict the variant creates a 3' acceptor site. However, these predictions have yet to be confirmed by functional studies. The variant allele was found at a frequency of 4e-06 in 251334 control chromosomes. The available data on variant occurrences in the general population are insufficient to allow any conclusion about variant significance. To our knowledge, no occurrence of c.808A>C in individuals affected with Cardiomyopathy and no experimental evidence demonstrating its impact on protein function have been reported. ClinVar contains an entry for this variant (Variation ID: 245729). Based on the evidence outlined above, the variant was classified as uncertain significance.

Blueprint Genetics
Classification: Uncertain significance. Last evaluated: 2024-05-07. Review status: criteria provided, single submitter. Criteria: ACMG Guidelines, 2015. Collection method: clinical testing. Allele origin: germline.

Color Diagnostics, LLC DBA Color Health
Classification: Uncertain significance for Cardiomyopathy. Last evaluated: 2023-05-17. Review status: criteria provided, single submitter. Criteria: ACMG Guidelines, 2015. Collection method: clinical testing. Allele origin: germline.
Comment: This missense variant replaces lysine with glutamine at codon 270 of the LMNA protein. Computational prediction suggests that this variant may have a deleterious impact on protein structure and function (internally defined REVEL score threshold >= 0.7, PMID: 27666373). To our knowledge, functional studies have not been reported for this variant. This variant has not been reported in individuals affected with LMNA-related disorders in the literature. This variant has been identified in 1/251334 chromosomes in the general population by the Genome Aggregation Database (gnomAD). The available evidence is insufficient to determine the role of this variant in disease conclusively. Therefore, this variant is classified as a Variant of Uncertain Significance.

GeneDx
Classification: Uncertain significance. Last evaluated: 2015-04-24. Review status: criteria provided, single submitter. Criteria: GeneDx Variant Classification (06012015). Collection method: clinical testing. Allele origin: germline. Affected: yes.
Comment: The K270Q variant has not been published as a pathogenic variant, nor has it been reported as a benign polymorphism to our knowledge. It was not observed in approximately 6,500 individuals of European and African American ancestry in the NHLBI Exome Sequencing Project, indicating it is not a common benign variant in these populations. The K270Q variant is a semi-conservative amino acid substitution, which may impact secondary protein structure as these residues differ in some properties. This substitution occurs at a position that is conserved across species. In silico analysis predicts this variant is probably damaging to the protein structure/function. Therefore, based on the currently available information, it is unclear whether this variant is a pathogenic variant or a rare benign variant.